The following is an entry in ClinVar:

NM_000395.3(CSF2RB):c.2273C>T (p.Pro758Leu)

Gene: CSF2RB (colony stimulating factor 2 receptor subunit beta; plus strand). Cytogenetic location: 22q12.3.
Variant type: single nucleotide variant.
Coding change: c.2273C>T on transcript NM_000395.3 (MANE Select); coding-DNA position 2273, C replaced by T.
Protein change: p.Pro758Leu; replaces proline 758 with leucine.
Molecular consequence: missense variant.
Genome position (GRCh38, 1-based): chr22:36,938,081, C>T. VCF-style: chr22-36938081-C-T. GRCh37 (hg19) VCF-style: chr22-37334123-C-T.
Other names: c.2291C>T, p.Pro764Leu (NM_001410827.1); short protein forms P764L, P758L.
Identifiers: ClinVar variation 4695588 (VCV004695588.1).

ClinVar aggregate classification (germline): Uncertain significance (1 of 4 stars; one submission).

gnomAD v4.1: 4 of 1,614,020 alleles (0.00025%); highest among the groups gnomAD compares: Admixed American, 0.0067%; no homozygotes.

Submission:

Labcorp Genetics (formerly Invitae), Labcorp
Classification: Uncertain significance. Last evaluated: 2025-11-24. Review status: criteria provided, single submitter. Criteria: Invitae Variant Classification Sherloc (09022015). Collection method: clinical testing. Allele origin: germline.
Comment: This sequence change replaces proline, which is neutral and non-polar, with leucine, which is neutral and non-polar, at codon 758 of the CSF2RB protein (p.Pro758Leu). This variant is present in population databases (rs748451270, gnomAD 0.01%). This variant has not been reported in the literature in individuals affected with CSF2RB-related conditions. Invitae Evidence Modeling of protein sequence and biophysical properties (such as structural, functional, and spatial information, amino acid conservation, physicochemical variation, residue mobility, and thermodynamic stability) indicates that this missense variant is not expected to disrupt CSF2RB protein function with a negative predictive value of 80%. In summary, the available evidence is currently insufficient to determine the role of this variant in disease. Therefore, it has been classified as a Variant of Uncertain Significance.